The following is an entry in ClinVar:

NM_004360.5(CDH1):c.219C>A (p.Thr73=)

Gene: CDH1 (cadherin 1; plus strand). Cytogenetic location: 16q22.1.
Variant type: single nucleotide variant.
Coding change: c.219C>A on transcript NM_004360.5 (MANE Select); coding-DNA position 219, C replaced by A.
Protein change: p.Thr73=; no amino-acid change (threonine 73 retained).
Molecular consequence: synonymous variant. On other transcripts: 5 prime UTR variant (2).
Genome position (GRCh38, 1-based): chr16:68,801,725, C>A. VCF-style: chr16-68801725-C-A. GRCh37 (hg19) VCF-style: chr16-68835628-C-A.
Other names: c.219C>A, p.Thr73= (NM_001317184.2); c.-1397C>A (NM_001317185.2); c.-1601C>A (NM_001317186.2).
Identifiers: ClinVar variation 1575909 (VCV001575909.9), dbSNP rs1567501098, ClinGen allele CA496152618.

ClinVar aggregate classification (germline): Benign/Likely benign. Review status: criteria provided, multiple submitters, no conflicts (2 of 4 stars). 2 submissions from 2 submitters: Benign (1); Likely benign (1). Last evaluated 2024-09-12.

Conditions:
Hereditary diffuse gastric adenocarcinoma (HDGC). Also called: DIFFUSE GASTRIC AND LOBULAR BREAST CANCER SYNDROME. Identifiers: Orphanet 26106, MedGen C1708349, MONDO:0007648, OMIM 137215.

Submissions (2):

Myriad Genetics, Inc.
Classification: Benign for Hereditary diffuse gastric adenocarcinoma. Last evaluated: 2024-09-12. Review status: criteria provided, single submitter. Criteria: Myriad Autosomal Dominant, Autosomal Recessive and X-Linked Classification Criteria (2023). Collection method: clinical testing. Allele origin: unknown.
Comment: This variant is considered benign. This variant is a silent/synonymous amino acid change and it is not expected to impact splicing.

Labcorp Genetics (formerly Invitae), Labcorp
Classification: Likely benign for Hereditary diffuse gastric adenocarcinoma. Last evaluated: 2021-11-01. Review status: criteria provided, single submitter. Criteria: Invitae Variant Classification Sherloc (09022015). Collection method: clinical testing. Allele origin: germline.